The following is an entry in ClinVar:

ClinVar aggregate classification (germline): Uncertain significance (1 of 4 stars; one submission).

Conditions:
Werner syndrome (WRN). Identifiers: Orphanet 902, MedGen C0043119, MONDO:0010196, OMIM 277700.

Allele frequency attached by ClinVar (database versions not stated): TOPMed 0.00003; gnomAD exomes 0.00004 and 0.00001; ExAC 0.00005; gnomAD 0.00005 and 0.00006.
gnomAD v4.1: 30 of 1,614,044 alleles (0.0019%); highest among the groups gnomAD compares: South Asian, 0.016%; no homozygotes.

Submission:

Labcorp Genetics (formerly Invitae), Labcorp
Classification: Uncertain significance for Werner syndrome. Last evaluated: 2024-11-03. Review status: criteria provided, single submitter. Criteria: Invitae Variant Classification Sherloc (09022015). Collection method: clinical testing. Allele origin: germline.
Comment: This sequence change replaces lysine, which is basic and polar, with glutamine, which is neutral and polar, at codon 108 of the WRN protein (p.Lys108Gln). This variant is present in population databases (rs780157148, gnomAD 0.02%). This variant has not been reported in the literature in individuals affected with WRN-related conditions. ClinVar contains an entry for this variant (Variation ID: 1004497). An algorithm developed to predict the effect of missense changes on protein structure and function (PolyPhen-2) suggests that this variant is likely to be disruptive. In summary, the available evidence is currently insufficient to determine the role of this variant in disease. Therefore, it has been classified as a Variant of Uncertain Significance.

NM_000553.6(WRN):c.322A>C (p.Lys108Gln)

Gene: WRN (WRN RecQ like helicase; plus strand). Cytogenetic location: 8p12.
Variant type: single nucleotide variant.
Coding change: c.322A>C on transcript NM_000553.6 (MANE Select); coding-DNA position 322, A replaced by C.
Protein change: p.Lys108Gln; replaces lysine 108 with glutamine.
Molecular consequence: missense variant.
Genome position (GRCh38, 1-based): chr8:31,064,401, A>C. VCF-style: chr8-31064401-A-C. GRCh37 (hg19) VCF-style: chr8-30921917-A-C.
Other names: short protein forms K108Q.
Identifiers: ClinVar variation 1004497 (VCV001004497.4), dbSNP rs780157148, ClinGen allele CA4704029.